The following is an entry in ClinVar:

NM_001003841.3(SLC6A19):c.482-2A>C

Gene: SLC6A19 (solute carrier family 6 member 19; plus strand). Cytogenetic location: 5p15.33.
Variant type: single nucleotide variant.
Coding change: c.482-2A>C on transcript NM_001003841.3 (MANE Select); the canonical splice acceptor site of the intron before coding-DNA position 482, A replaced by C.
Molecular consequence: splice acceptor variant.
Genome position (GRCh38, 1-based): chr5:1,212,301, A>C. VCF-style: chr5-1212301-A-C. GRCh37 (hg19) VCF-style: chr5-1212416-A-C.
Identifiers: ClinVar variation 504116 (VCV000504116.6), dbSNP rs751451573, ClinGen allele CA3182740.

ClinVar aggregate classification (germline): Conflicting classifications of pathogenicity. Review status: criteria provided, conflicting classifications (1 of 4 stars). 2 submissions from 2 submitters: Likely pathogenic (1); Uncertain significance (1). Last evaluated 2020-03-13.

Conditions:
Neutral 1 amino acid transport defect (HND). Also called: HARTNUP DISORDER; Hartnup disease. Identifiers: Orphanet 2116, MedGen C0018609, MONDO:0009324, OMIM 234500.

Allele frequency attached by ClinVar (database versions not stated): TOPMed below 0.00001; gnomAD 0.00001; gnomAD exomes 0.00001 and 0.00002; ExAC 0.00003.
gnomAD v4.1: 12 of 1,613,030 alleles (0.00074%); highest among the groups gnomAD compares: East Asian, 0.027%; no homozygotes.

Submissions (2):

GeneDx
Classification: Uncertain significance. Last evaluated: 2020-03-13. Review status: criteria provided, single submitter. Criteria: GeneDx Variant Classification Process June 2021. Collection method: clinical testing. Allele origin: germline. Affected: yes.
Comment: Canonical splice site variant predicted to result in a null allele in a gene for which loss-of-function is a known mechanism of disease; Has not been previously published as pathogenic or benign to our knowledge

Juno Genomics, Hangzhou Juno Genomics, Inc
Classification: Likely pathogenic for Neutral 1 amino acid transport defect. Review status: criteria provided, single submitter. Criteria: ACMG Guidelines, 2015. Collection method: clinical testing. Allele origin: germline.
Comment: Null variant in a gene where loss of function (LOF) is a known mechanism of disease.;Absent from controls (or at extremely low frequency if recessive) in Genome Aggregation Database.